The following is an entry in ClinVar:

ClinVar aggregate classification (germline): Uncertain significance (1 of 4 stars; one submission).

Allele frequency attached by ClinVar (database versions not stated): gnomAD 0.00001; TOPMed 0.00001.
gnomAD v4.1: 1 of 1,613,120 alleles (0.000062%); highest among the groups gnomAD compares: African/African-American, 0.0013%; no homozygotes.

Submission:

Labcorp Genetics (formerly Invitae), Labcorp
Classification: Uncertain significance. Last evaluated: 2022-05-05. Review status: criteria provided, single submitter. Criteria: Invitae Variant Classification Sherloc (09022015). Collection method: clinical testing. Allele origin: germline.
Comment: In summary, the available evidence is currently insufficient to determine the role of this variant in disease. Therefore, it has been classified as a Variant of Uncertain Significance. Algorithms developed to predict the effect of sequence changes on RNA splicing suggest that this variant may create or strengthen a splice site. Algorithms developed to predict the effect of missense changes on protein structure and function are either unavailable or do not agree on the potential impact of this missense change (SIFT: "Deleterious"; PolyPhen-2: "Benign"; Align-GVGD: "Class C0"). This variant has not been reported in the literature in individuals affected with ADAM9-related conditions. This variant is present in population databases (no rsID available, gnomAD 0.01%). This sequence change replaces serine, which is neutral and polar, with glycine, which is neutral and non-polar, at codon 658 of the ADAM9 protein (p.Ser658Gly).

NM_003816.3(ADAM9):c.1972A>G (p.Ser658Gly)

Gene: ADAM9 (ADAM metallopeptidase domain 9; plus strand). Cytogenetic location: 8p11.22.
Variant type: single nucleotide variant.
Coding change: c.1972A>G on transcript NM_003816.3 (MANE Select); coding-DNA position 1972, A replaced by G.
Protein change: p.Ser658Gly; replaces serine 658 with glycine.
Molecular consequence: missense variant. On other transcripts: non-coding transcript variant (1).
Genome position (GRCh38, 1-based): chr8:39,082,977, A>G. VCF-style: chr8-39082977-A-G. GRCh37 (hg19) VCF-style: chr8-38940496-A-G.
Other names: short protein forms S658G.
Identifiers: ClinVar variation 2134122 (VCV002134122.4), dbSNP rs1240256821, ClinGen allele CA370747691.